The following is an entry in ClinVar:

ClinVar aggregate classification (germline): Uncertain significance (1 of 4 stars; one submission).

Conditions:
Dyskeratosis congenita. Identifiers: Orphanet 1775, MedGen C0265965, MONDO:0015780.

Submission:

Ambry Genetics
Classification: Uncertain significance for Dyskeratosis congenita. Last evaluated: 2025-04-17. Review status: criteria provided, single submitter. Criteria: Ambry Variant Classification Scheme 2023. Collection method: clinical testing. Allele origin: germline.
Comment: The p.S602W variant (also known as c.1805C>G), located in coding exon 4 of the TERT gene, results from a C to G substitution at nucleotide position 1805. The serine at codon 602 is replaced by tryptophan, an amino acid with highly dissimilar properties. This amino acid position is conserved. In addition, this alteration is predicted to be deleterious by in silico analysis. Based on the available evidence, the clinical significance of this variant remains unclear.

NM_198253.3(TERT):c.1805C>G (p.Ser602Trp)

Gene: TERT (telomerase reverse transcriptase; minus strand). Cytogenetic location: 5p15.33.
Variant type: single nucleotide variant.
Coding change: c.1805C>G on transcript NM_198253.3 (MANE Select); coding-DNA position 1805, C replaced by G.
Protein change: p.Ser602Trp; replaces serine 602 with tryptophan.
Molecular consequence: missense variant. On other transcripts: non-coding transcript variant (2).
Genome position (GRCh38, 1-based): chr5:1,280,303, G>C on the plus strand (C>G on the coding strand, the complement: TERT is on the minus strand). VCF-style: chr5-1280303-G-C. GRCh37 (hg19) VCF-style: chr5-1280418-G-C.
Other names: c.1805C>G, p.Ser602Trp (NM_001193376.3); short protein forms S602W.
Identifiers: ClinVar variation 3967351 (VCV003967351.1).
Genomic context (GRCh38, chr5:1,280,303, plus strand): 5'-CGGAGTCTGGACGTCAGCAGGGCGGGCCTGGCTTCCCGATGCTGCCTGACCTCTGCTTCC[G>C]ACAGCTCCCGCAGCTGCACCCTCTTCAAGTGCTGTCTGCAATAGAGAGCCCCTCAGGAGG-3'
Protein context (NP_937983.2, residues 592-612): HLKRVQLREL[Ser602Trp]EAEVRQHREA